The following is an entry in ClinVar:

ClinVar aggregate classification (germline): Likely benign. Review status: criteria provided, multiple submitters, no conflicts (2 of 4 stars). 2 submissions from 2 submitters: Likely benign (2). Last evaluated 2025-04-28.

Allele frequency attached by ClinVar (database versions not stated): gnomAD exomes 0.00001.
gnomAD v4.1: 5 of 1,416,052 alleles (0.00035%); highest among the groups gnomAD compares: Non-Finnish European, 0.00037%; no homozygotes.

Submissions (2):

Labcorp Genetics (formerly Invitae), Labcorp
Classification: Likely benign. Last evaluated: 2025-04-28. Review status: criteria provided, single submitter. Criteria: Invitae Variant Classification Sherloc (09022015). Collection method: clinical testing. Allele origin: germline.

CeGaT Center for Human Genetics Tuebingen
Classification: Likely benign. Last evaluated: 2022-06-01. Review status: criteria provided, single submitter. Criteria: CeGaT Center For Human Genetics Tuebingen Variant Classification Criteria Version 2. Collection method: clinical testing. Allele origin: germline. Affected: yes. Observed: 1 variant allele.
Comment: APC2: PM2:Supporting, BP4, BP7

NM_005883.3(APC2):c.6006G>C (p.Pro2002=)

Gene: APC2 (APC regulator of Wnt signaling pathway 2; plus strand). Cytogenetic location: 19p13.3.
Variant type: single nucleotide variant.
Coding change: c.6006G>C on transcript NM_005883.3 (MANE Select); coding-DNA position 6006, G replaced by C.
Protein change: p.Pro2002=; no amino-acid change (proline 2002 retained).
Molecular consequence: synonymous variant.
Genome position (GRCh38, 1-based): chr19:1,469,307, G>C. VCF-style: chr19-1469307-G-C. GRCh37 (hg19) VCF-style: chr19-1469306-G-C.
Other names: c.6003G>C, p.Pro2001= (NM_001351273.1).
Identifiers: ClinVar variation 1694881 (VCV001694881.32), dbSNP rs1251264379, ClinGen allele CA504898692.